The following is an entry in ClinVar:

NM_001943.5(DSG2):c.2713G>A (p.Glu905Lys)

Genes: DSG2 (desmoglein 2; plus strand), DSG2-AS1 (DSG2 antisense RNA 1; minus strand). Cytogenetic location: 18q12.1.
Variant type: single nucleotide variant.
Coding change: c.2713G>A on transcript NM_001943.5 (MANE Select); coding-DNA position 2713, G replaced by A.
Protein change: p.Glu905Lys; replaces glutamic acid 905 with lysine.
Molecular consequence: missense variant.
Genome position (GRCh38, 1-based): chr18:31,546,099, G>A. VCF-style: chr18-31546099-G-A. GRCh37 (hg19) VCF-style: chr18-29126062-G-A.
Other names: short protein forms E905K.
Identifiers: ClinVar variation 961674 (VCV000961674.10), dbSNP rs1156468696, ClinGen allele CA402146314.

ClinVar aggregate classification (germline): Uncertain significance. Review status: criteria provided, multiple submitters, no conflicts (2 of 4 stars). 2 submissions from 2 submitters: Uncertain significance (2). Last evaluated 2023-12-18.

Conditions:
Arrhythmogenic right ventricular cardiomyopathy (ARVD). Also called: Arrhythmogenic cardiomyopathy; Cardiomyopathy, ARVC; Arrhythmogenic right ventricular dysplasia; Arrhythmogenic Right Ventricular Cardiomyopathy (ARVC). Identifiers: Orphanet 247, MedGen C0349788, MeSH D019571, MONDO:0016587. Disease mechanism: loss of function. Inheritance: Various modes of inheritance.
Arrhythmogenic right ventricular dysplasia 10. Also called: Arrhythmogenic Right Ventricular Dysplasia/Cardiomyopathy10; ARRHYTHMOGENIC RIGHT VENTRICULAR DYSPLASIA, FAMILIAL, 10; Arrhythmogenic right ventricular dysplasia/cardiomyopathy, type 10. Identifiers: MedGen C1857777, MONDO:0012434, OMIM 610193.

Allele frequency attached by ClinVar (database versions not stated): gnomAD 0.00001.
gnomAD v4.1: 5 of 1,614,046 alleles (0.00031%); highest among the groups gnomAD compares: Non-Finnish European, 0.00025%; no homozygotes.

Submissions (2):

All of Us Research Program, National Institutes of Health
Classification: Uncertain significance for Arrhythmogenic right ventricular cardiomyopathy. Last evaluated: 2023-12-18. Review status: criteria provided, single submitter. Criteria: ACMG Guidelines, 2015. Collection method: clinical testing. Allele origin: germline. Inheritance: Autosomal dominant inheritance. Observed: 1 variant allele, 1 heterozygote.
Comment: This missense variant replaces glutamic acid with lysine at codon 905 of the DSG2 protein. Computational prediction suggests that this variant may not impact protein structure and function (internally defined REVEL score threshold <= 0.5, PMID: 27666373). To our knowledge, functional studies have not been reported for this variant. This variant has not been reported in individuals affected with DSG2-related disorders in the literature. This variant has been identified in 3/280424 chromosomes in the general population by the Genome Aggregation Database (gnomAD). The available evidence is insufficient to determine the role of this variant in disease conclusively. Therefore, this variant is classified as a Variant of Uncertain Significance.

This study involves interpretation of variants in research participants for the purpose of population health screening. Participant phenotype was not available at the time of variant classification. Additional details can be found in publication PMID: 35346344, PMCID: PMC8962531

Labcorp Genetics (formerly Invitae), Labcorp
Classification: Uncertain significance for Arrhythmogenic right ventricular dysplasia 10. Last evaluated: 2022-03-09. Review status: criteria provided, single submitter. Criteria: Invitae Variant Classification Sherloc (09022015). Collection method: clinical testing. Allele origin: germline.
Comment: In summary, the available evidence is currently insufficient to determine the role of this variant in disease. Therefore, it has been classified as a Variant of Uncertain Significance. Algorithms developed to predict the effect of missense changes on protein structure and function are either unavailable or do not agree on the potential impact of this missense change (SIFT: "Tolerated"; PolyPhen-2: "Probably Damaging"; Align-GVGD: "Class C0"). ClinVar contains an entry for this variant (Variation ID: 961674). This variant has not been reported in the literature in individuals affected with DSG2-related conditions. This variant is present in population databases (no rsID available, gnomAD 0.008%). This sequence change replaces glutamic acid, which is acidic and polar, with lysine, which is basic and polar, at codon 905 of the DSG2 protein (p.Glu905Lys).